The following is an entry in ClinVar:

NM_001687.5(ATP5F1D):c.64_78dup (p.Ala26_Ala27insTyrAlaGluAlaAla)

Gene: ATP5F1D (ATP synthase F1 subunit delta; plus strand). Cytogenetic location: 19p13.3.
Variant type: Duplication.
Coding change: c.64_78dup on transcript NM_001687.5 (MANE Select); coding-DNA positions 64 to 78, 15 bases duplicated (TATGCCGAGGCCGCC).
Protein change: p.Ala26_Ala27insTyrAlaGluAlaAla.
Molecular consequence: inframe insertion.
Genome position (GRCh38, 1-based): chr19:1,241,914-1,241,928, TATGCCGAGGCCGCC duplicated; duplicating any 15 consecutive bases within chr19:1,241,911-1,241,928 gives the same sequence; the c. name uses the placement nearest the transcript's 3' end. VCF-style (leftmost placement, unchanged base first): chr19-1241910-T-TGCCTATGCCGAGGCC. GRCh37 (hg19) VCF-style: chr19-1241909-T-TGCCTATGCCGAGGCC.
Other names: c.64_78dup, p.Ala26_Ala27insTyrAlaGluAlaAla (NM_001001975.2).
Identifiers: ClinVar variation 2048389 (VCV002048389.4), dbSNP rs2512987486, ClinGen allele CA2580096024.

ClinVar aggregate classification (germline): Uncertain significance (1 of 4 stars; one submission).

Submission:

Labcorp Genetics (formerly Invitae), Labcorp
Classification: Uncertain significance. Last evaluated: 2022-01-23. Review status: criteria provided, single submitter. Criteria: Invitae Variant Classification Sherloc (09022015). Collection method: clinical testing. Allele origin: germline.
Comment: In summary, the available evidence is currently insufficient to determine the role of this variant in disease. Therefore, it has been classified as a Variant of Uncertain Significance. Experimental studies and prediction algorithms are not available or were not evaluated, and the functional significance of this variant is currently unknown. This variant has not been reported in the literature in individuals affected with ATP5D-related conditions. This variant is not present in population databases (gnomAD no frequency). This variant, c.64_78dup, results in the insertion of 5 amino acid(s) of the ATP5D protein (p.Tyr22_Ala26dup), but otherwise preserves the integrity of the reading frame.